The following is an entry in ClinVar:

NM_006258.4(PRKG1):c.714G>T (p.Gln238His)

Gene: PRKG1 (protein kinase cGMP-dependent 1; plus strand). Cytogenetic location: 10q21.1.
Variant type: single nucleotide variant.
Coding change: c.714G>T on transcript NM_006258.4 (MANE Select); coding-DNA position 714, G replaced by T.
Protein change: p.Gln238His; replaces glutamine 238 with histidine.
Molecular consequence: missense variant.
Genome position (GRCh38, 1-based): chr10:51,907,522, G>T. VCF-style: chr10-51907522-G-T. GRCh37 (hg19) VCF-style: chr10-53667282-G-T.
Other names: c.714G>T, p.Gln238His (NM_001374782.1); c.669G>T, p.Gln223His (NM_001098512.3); short protein forms Q223H, Q238H.
Identifiers: ClinVar variation 2898784 (VCV002898784.3), dbSNP rs1220674119, ClinGen allele CA376533528.
Genomic context (GRCh38, chr10:51,907,522, plus strand): 5'-AAGTTGTGGTTCATGTGTTCAGCACTATTCTGTTTTGTTTTTCAGCGTTCCAACATTCCA[G>T]AGCCTTCCTGAAGAGATCCTCAGCAAGCTTGCTGATGTCCTTGAAGAGGTAATTGTTTTT-3'
Protein context (NP_006249.1, residues 228-248): MEFLKSVPTF[Gln238His]SLPEEILSKL

ClinVar aggregate classification (germline): Uncertain significance (1 of 4 stars; one submission).

Conditions:
Aortic aneurysm, familial thoracic 8 (AAT8). Identifiers: MedGen C3809513, MONDO:0014187, OMIM 615436.

Allele frequency attached by ClinVar (database versions not stated): gnomAD exomes below 0.00001.
gnomAD v4.1: 2 of 1,613,584 alleles (0.00012%); highest among the groups gnomAD compares: Admixed American, 0.0033%; no homozygotes.

Submission:

Labcorp Genetics (formerly Invitae), Labcorp
Classification: Uncertain significance for Aortic aneurysm, familial thoracic 8. Last evaluated: 2024-03-08. Review status: criteria provided, single submitter. Criteria: Invitae Variant Classification Sherloc (09022015). Collection method: clinical testing. Allele origin: germline.
Comment: This sequence change replaces glutamine, which is neutral and polar, with histidine, which is basic and polar, at codon 238 of the PRKG1 protein (p.Gln238His). This variant is present in population databases (no rsID available, gnomAD 0.006%). This variant has not been reported in the literature in individuals affected with PRKG1-related conditions. An algorithm developed to predict the effect of missense changes on protein structure and function (PolyPhen-2) suggests that this variant is likely to be tolerated. In summary, the available evidence is currently insufficient to determine the role of this variant in disease. Therefore, it has been classified as a Variant of Uncertain Significance.